The following is an entry in ClinVar:

NM_022369.4(STRA6):c.1385del (p.Asn462fs)

Gene: STRA6 (signaling receptor and transporter of retinol STRA6; minus strand). Cytogenetic location: 15q24.1.
Variant type: Deletion.
Coding change: c.1385del on transcript NM_022369.4 (MANE Select); coding-DNA position 1385, one base deleted (A; older notation c.1385delA).
Protein change: p.Asn462fs; shifts the reading frame from asparagine 462.
Molecular consequence: frameshift variant.
Genome position (GRCh38, 1-based): chr15:74,182,376, T deleted on the plus strand (A on the coding strand, the reverse complement: STRA6 is on the minus strand); the first of 2 consecutive T bases (chr15:74,182,376-74,182,377); deleting either gives the same sequence. VCF-style (leftmost placement, unchanged base first): chr15-74182375-GT-G. GRCh37 (hg19) VCF-style: chr15-74474716-GT-G.
Other names: c.1385del, p.Asn462fs (NM_001142617.2, NM_001142618.2); c.1358del, p.Asn453fs (NM_001142619.2); c.1496del, p.Asn499fs (NM_001199040.2); c.1430del, p.Asn477fs (NM_001199041.2); c.1502del, p.Asn501fs (NM_001199042.2); short protein forms N501fs, N462fs, N477fs, N453fs, N499fs.
Identifiers: ClinVar variation 194560 (VCV000194560.6), dbSNP rs794727153, ClinGen allele CA201234.

ClinVar aggregate classification (germline): Pathogenic. Review status: criteria provided, multiple submitters, no conflicts (2 of 4 stars). 2 submissions from 2 submitters: Pathogenic (2). Last evaluated 2016-03-17.

Submissions (2):

GeneDx
Classification: Pathogenic. Last evaluated: 2016-03-17. Review status: criteria provided, single submitter. Criteria: GeneDx Variant Classification (06012015). Collection method: clinical testing. Allele origin: germline. Affected: yes.
Comment: The c.1385delA variant in the STRA6 gene causes a frameshift starting with codon Asparagine 462, changes this amino acid to a Threonine residue and creates a premature Stop codon at position 16 of the new reading frame, denoted p.Asn462ThrfsX16. This variant is predicted to cause loss of normal protein function either through protein truncation or nonsense-mediated mRNA decay. Although this variant have not been reported previously to our knowledge, we interpret it as pathogenic.

Eurofins Ntd Llc (ga)
Classification: Pathogenic. Last evaluated: 2015-02-11. Review status: criteria provided, single submitter. Criteria: EGL Classification Definitions 2015. Collection method: clinical testing. Allele origin: germline. Observed: 2 variant alleles, 2 heterozygotes.